The following is an entry in ClinVar:

ClinVar aggregate classification (germline): Pathogenic (1 of 4 stars; one submission).

Conditions:
Heterotaxy, visceral, 9, autosomal, with male infertility. Identifiers: MedGen C5394551, MONDO:0030070, OMIM 618948.

Submission:

Juno Genomics, Hangzhou Juno Genomics, Inc
Classification: Pathogenic for Heterotaxy, visceral, 9, autosomal, with male infertility. Review status: criteria provided, single submitter. Criteria: ACMG Guidelines, 2015. Collection method: clinical testing. Allele origin: germline. Affected: yes.
Comment: Absent from controls (or at extremely low frequency if recessive) in Genome Aggregation Database.;Null variant in a gene where loss of function (LOF) is a known mechanism of disease.;For recessive disorders, detected in trans with a pathogenic variant.

NM_018365.4(MNS1):c.508del (p.Ile169_Ile170insTer)

Genes: MNS1 (meiosis specific nuclear structural 1; minus strand), TEX9 (testis expressed 9; plus strand). Cytogenetic location: 15q21.3.
Variant type: Deletion.
Coding change: c.508del on transcript NM_018365.4 (MANE Select); coding-DNA position 508, one base deleted (A; older notation c.508delA).
Protein change: p.Ile169_Ile170insTer.
Molecular consequence: nonsense. On other transcripts: intron variant (2).
Genome position (GRCh38, 1-based): chr15:56,444,622, T deleted on the plus strand (A on the coding strand, the reverse complement: MNS1 is on the minus strand); the first of 2 consecutive T bases (chr15:56,444,622-56,444,623); deleting either gives the same sequence. VCF-style (leftmost placement, unchanged base first): chr15-56444621-AT-A. GRCh37 (hg19) VCF-style: chr15-56736819-AT-A.
Other names: c.*30-1048del (NM_001286449.2, NM_198524.3).
Identifiers: ClinVar variation 5018761 (VCV005018761.1).